The following is an entry in ClinVar:

ClinVar aggregate classification (germline): Uncertain significance. Review status: criteria provided, multiple submitters, no conflicts (2 of 4 stars). 2 submissions from 2 submitters: Uncertain significance (2). Last evaluated 2024-04-29.

Conditions:
Lysinuric protein intolerance (LPI). Identifiers: Orphanet 470, MedGen C0268647, MONDO:0009109, OMIM 222700.

Allele frequency attached by ClinVar (database versions not stated): gnomAD exomes below 0.00001; ExAC 0.00001; gnomAD 0.00004; ESP Exome Variant Server 0.00008; TOPMed 0.00010.
gnomAD v4.1: 13 of 1,614,106 alleles (0.00081%); highest among the groups gnomAD compares: African/African-American, 0.016%; no homozygotes.

Submissions (2):

Fulgent Genetics
Classification: Uncertain significance for Lysinuric protein intolerance. Last evaluated: 2024-04-29. Review status: criteria provided, single submitter. Criteria: ACMG Guidelines, 2015. Collection method: clinical testing. Allele origin: germline.

Labcorp Genetics (formerly Invitae), Labcorp
Classification: Uncertain significance for Lysinuric protein intolerance. Last evaluated: 2022-03-14. Review status: criteria provided, single submitter. Criteria: Invitae Variant Classification Sherloc (09022015). Collection method: clinical testing. Allele origin: germline.
Comment: This sequence change replaces valine, which is neutral and non-polar, with isoleucine, which is neutral and non-polar, at codon 296 of the SLC7A7 protein (p.Val296Ile). This variant is present in population databases (rs141175728, gnomAD 0.007%). This variant has not been reported in the literature in individuals affected with SLC7A7-related conditions. Algorithms developed to predict the effect of missense changes on protein structure and function are either unavailable or do not agree on the potential impact of this missense change (SIFT: "Tolerated"; PolyPhen-2: "Probably Damaging"; Align-GVGD: "Class C0"). In summary, the available evidence is currently insufficient to determine the role of this variant in disease. Therefore, it has been classified as a Variant of Uncertain Significance.

NM_003982.4(SLC7A7):c.886G>A (p.Val296Ile)

Gene: SLC7A7 (solute carrier family 7 member 7; minus strand). Cytogenetic location: 14q11.2.
Variant type: single nucleotide variant.
Coding change: c.886G>A on transcript NM_003982.4 (MANE Select); coding-DNA position 886, G replaced by A.
Protein change: p.Val296Ile; replaces valine 296 with isoleucine.
Molecular consequence: missense variant.
Genome position (GRCh38, 1-based): chr14:22,776,203, C>T on the plus strand (G>A on the coding strand, the complement: SLC7A7 is on the minus strand). VCF-style: chr14-22776203-C-T. GRCh37 (hg19) VCF-style: chr14-23245412-C-T.
Other names: c.886G>A, p.Val296Ile (NM_001126105.3, NM_001126106.4); short protein forms V296I.
Identifiers: ClinVar variation 2045567 (VCV002045567.2), dbSNP rs141175728, ClinGen allele CA7104566.